The following is an entry in ClinVar:

ClinVar aggregate classification (germline): Pathogenic. Review status: criteria provided, multiple submitters, no conflicts (2 of 4 stars). 29 submissions from 29 submitters: Pathogenic (26). 3 of the submissions do not count toward it. Last evaluated 2026-04-02.

Conditions:
Café-au-lait macules with pulmonary stenosis (WTSN). Also called: PULMONIC STENOSIS WITH CAFE-AU-LAIT SPOTS. Identifiers: MedGen C0553586, MONDO:0008672, OMIM 193520.
Neurofibromatosis, type 1 (NF1). Also called: VON RECKLINGHAUSEN DISEASE; Peripheral type neurofibromatosis; Neurofibromatosis, type I; NEUROFIBROMATOSIS, TYPE I, SOMATIC. Identifiers: Orphanet 636, MedGen C0027831, MONDO:0018975, OMIM 162200. Disease mechanism: loss of function.
NF1-related disorder. Also called: NF1-related condition. Identifiers: MedGen CN379171.
Hereditary cancer-predisposing syndrome. Also called: Hereditary Cancer Syndrome; Tumor predisposition; Neoplastic Syndromes, Hereditary; Hereditary neoplastic syndrome. Identifiers: Orphanet 140162, MedGen C0027672, MeSH D009386, MONDO:0015356.
Cardiovascular phenotype. Identifiers: MedGen CN230736.
Neurofibromatosis-Noonan syndrome (NFNS). Also called: NEUROFIBROMATOSIS WITH NOONAN PHENOTYPE. Identifiers: Orphanet 638, MedGen C2931482, MONDO:0011035, OMIM 601321. Disease mechanism: loss of function.
Juvenile myelomonocytic leukemia (JMML). Also called: LEUKEMIA, JUVENILE MYELOMONOCYTIC, SOMATIC. Identifiers: Orphanet 86834, MedGen C0349639, MONDO:0011908, OMIM 607785, HP:0012209.
Neurofibromatosis, familial spinal (FSNF). Identifiers: Orphanet 636, MedGen C1834235, MONDO:0008078, OMIM 162210. Disease mechanism: loss of function.

Allele frequency attached by ClinVar (database versions not stated): gnomAD exomes below 0.00001; gnomAD 0.00001; TOPMed 0.00001.
gnomAD v4.1: 3 of 1,613,960 alleles (0.00019%); highest among the groups gnomAD compares: African/African-American, 0.0013%; no homozygotes.

Submissions 1 to 7 of 29:

PreventionGenetics, part of Exact Sciences
Classification: Pathogenic for NF1-related condition. Last evaluated: 2026-04-02. Review status: criteria provided, single submitter. Criteria: ACMG Guidelines, 2015. Collection method: clinical testing. Allele origin: germline.
Comment: The NF1 c.3827G>A variant is predicted to result in the amino acid substitution p.Arg1276Gln. This variant has been repeatedly reported to be causative for neurofibromatosis type 1 (Fahsold et al. 2000. PubMed ID: 10712197; Mattocks et al. 2004. PubMed ID: 15060124; Evans et al. 2016. PubMed ID: 27322474). Experimental studies indicate this variant disrupts NF1 protein function (Thomas et al. 2012. PubMed ID: 22807134). This variant is reported in 0.0040% of alleles in individuals of African descent in gnomAD and is interpreted as pathogenic in ClinVar (Variation ID: 68341). This variant is interpreted as pathogenic.

Institute of Human Genetics, University of Leipzig Medical Center
Classification: Pathogenic for Neurofibromatosis, type 1. Last evaluated: 2026-02-05. Review status: criteria provided, single submitter. Criteria: ACMG Guidelines, 2015. Collection method: clinical testing. Allele origin: paternal. Inheritance: Autosomal dominant inheritance. Affected: yes.
Comment: Criteria applied: PS3,PM5_STR,PS4_MOD,PP1_MOD,PP3,PP4

Labcorp Genetics (formerly Invitae), Labcorp
Classification: Pathogenic for Neurofibromatosis, type 1. Last evaluated: 2026-01-16. Review status: criteria provided, single submitter. Criteria: Invitae Variant Classification Sherloc (09022015). Collection method: clinical testing. Allele origin: germline.
Comment: This sequence change replaces arginine, which is basic and polar, with glutamine, which is neutral and polar, at codon 1276 of the NF1 protein (p.Arg1276Gln). This variant is present in population databases (rs137854556, gnomAD 0.004%). This missense change has been observed in individuals with neurofibromatosis type 1 (PMID: 10712197, 15060124, 16479075, 19221814, 23668869, 27322474). Invitae Evidence Modeling of clinical and family history, age, sex, and reported ancestry of multiple individuals with this NF1 variant has been performed. This variant is expected to be pathogenic with a positive predictive value of at least 99%. This is a validated machine learning model that incorporates the clinical features of 1,785,918 individuals referred to our laboratory for NF1 testing. ClinVar contains an entry for this variant (Variation ID: 68341). Invitae Evidence Modeling of protein sequence and biophysical properties (such as structural, functional, and spatial information, amino acid conservation, physicochemical variation, residue mobility, and thermodynamic stability) indicates that this missense variant is expected to disrupt NF1 protein function with a positive predictive value of 95%. Experimental studies have shown that this missense change affects NF1 function (PMID: 9109662, 22807134). This variant disrupts the p.Arg1276 amino acid residue in NF1. Other variant(s) that disrupt this residue have been determined to be pathogenic (PMID: 9668168, 10712197, 26635368). This suggests that this residue is clinically significant, and that variants that disrupt this residue are likely to be disease-causing. For these reasons, this variant has been classified as Pathogenic.

Institute for Genomic Medicine (IGM) Clinical Laboratory, Nationwide Children's Hospital
Classification: Pathogenic for Neurofibromatosis, type 1. Last evaluated: 2025-11-27. Review status: criteria provided, single submitter. Criteria: ACMG Guidelines, 2015. Collection method: clinical testing. Allele origin: germline.
Comment: Well-established functional studies have demonstrated this variant to have a damaging effect on protein function or splicing (ACMG/AMP: PS3; PMID:22807134). This variant has been reported at an elevated frequency in affected individuals/in multiple affected individuals in the literature (ACMG/AMP: PS4; PMIDs:10712197, 15060124, 16479075, 19221814, 23047742, 23668869, 23758643, 27322474, 31595648). A different substitution at this amino acid position has been reported as pathogenic (ACMG/AMP: PM5; PMIDs:9545275, 9668168, 26635368). This variant occurs in a gene with a low rate of benign missense variation, in which missense alterations are a common mechanism of disease (ACMG/AMP: PP2). This variant is predicted to alter protein function or structure, or disrupt splicing by multiple in silico tools (ACMG/AMP: PP3).

Institute of Medical Genetics and Applied Genomics, University Hospital Tübingen
Classification: Pathogenic for Neurofibromatosis, type 1. Last evaluated: 2025-11-03. Review status: criteria provided, single submitter. Criteria: ACMG Guidelines, 2015. Collection method: clinical testing. Allele origin: germline. Inheritance: Autosomal dominant inheritance. Affected: yes.

Ambry Genetics
Classification: Pathogenic for Cardiovascular phenotype; Hereditary cancer-predisposing syndrome. Last evaluated: 2025-09-16. Review status: criteria provided, single submitter. Criteria: Ambry Variant Classification Scheme 2023. Collection method: clinical testing. Allele origin: germline.
Comment: The c.3827G>A (p.R1276Q) alteration is located in exon 28 (coding exon 28) of the NF1 gene. This alteration results from a G to A substitution at nucleotide position 3827, causing the arginine (R) at amino acid position 1276 to be replaced by a glutamine (Q). Based on data from gnomAD, the A allele has an overall frequency of <0.001% (1/282600) total alleles studied. The highest observed frequency was 0.004% (1/24968) of African alleles. This variant has been detected in multiple individuals fulfilling diagnostic criteria for neurofibromatosis type 1 (NF1) (Mattocks, 2004; Wimmer, 2007; Ko, 2013; Evans, 2016). This amino acid position is highly conserved in available vertebrate species. This alteration is located in the arginine finger of the GAP-related domain (GRD), which is an essential catalytic element for RasGAP activity (Ambry internal data; Scheffzek, 1997; Scheffzek, 1998; Fahsold, 2000; Kiel, 2014). This alteration has been shown to impair protein function (Wallis, 2018). This alteration is predicted to be deleterious by in silico analysis. Based on the available evidence, this alteration is classified as pathogenic.

Quest Diagnostics Nichols Institute San Juan Capistrano
Classification: Pathogenic. Last evaluated: 2025-08-05. Review status: criteria provided, single submitter. Criteria: Quest Diagnostics criteria. Collection method: clinical testing. Allele origin: unknown.
Comment: The NF1 c.3827G>A (p.Arg1276Gln) variant has been reported in the published literature in multiple individuals and families with Neurofibromatosis 1 (PMIDs: 31595648 (2020), 27322474 (2016), 23758643 (2013), 23047742 (2013), 22034633 (2011), 16479075 (2006), 35060124 (2004), 10712197 (2000)). The variant alters a critically important amino acid in the NF1 protein, and studies have shown this and other variants affecting the same codon (such as p.Arg1276Gly and p.Arg1276Pro) are disease-causing (PMID: 31595648 (2020)). Assessment of experimental evidence suggests this variant results in abnormal protein function (PMIDs: 34694046 (2022), 22807134 (2012), 9302992 (1997)). The frequency of this variant in the general population (Genome Aggregation Database) is uninformative in the assessment of its pathogenicity. Analysis of this variant using bioinformatics tools for the prediction of the effect of amino acid changes on protein structure and function yielded predictions that this variant is damaging. Based on the available information, this variant is classified as pathogenic.

NM_001042492.3(NF1):c.3827G>A (p.Arg1276Gln)

Gene: NF1 (neurofibromin 1; plus strand). Cytogenetic location: 17q11.2.
Variant type: single nucleotide variant.
Coding change: c.3827G>A on transcript NM_001042492.3 (MANE Select); coding-DNA position 3827, G replaced by A.
Protein change: p.Arg1276Gln; replaces arginine 1276 with glutamine.
Molecular consequence: missense variant.
Genome position (GRCh38, 1-based): chr17:31,235,729, G>A. VCF-style: chr17-31235729-G-A. GRCh37 (hg19) VCF-style: chr17-29562747-G-A.
Other names: c.3827G>A, p.Arg1276Gln (NM_000267.4); short protein forms R1276Q.
Identifiers: ClinVar variation 68341 (VCV000068341.93), dbSNP rs137854556, ClinGen allele CA219546.